The following is an entry in ClinVar:

ClinVar aggregate classification (germline): Conflicting classifications of pathogenicity. Review status: criteria provided, conflicting classifications (1 of 4 stars). 6 submissions from 6 submitters: Uncertain significance (5); Benign (1). Last evaluated 2025-11-24.

Conditions:
Hereditary cancer-predisposing syndrome. Also called: Tumor predisposition; Hereditary Cancer Syndrome; Neoplastic Syndromes, Hereditary; Hereditary neoplastic syndrome. Identifiers: Orphanet 140162, MedGen C0027672, MeSH D009386, MONDO:0015356.
BAP1-related tumor predisposition syndrome (TPDS1). Also called: Tumor susceptibility linked to germline BAP1 mutations; BAP1 tumor predisposition syndrome; COMMON Syndrome; TUMOR PREDISPOSITION SYNDROME 1. Identifiers: Orphanet 289539, MedGen C3280492, MONDO:0013692, OMIM 614327.

Allele frequency attached by ClinVar (database versions not stated): gnomAD exomes below 0.00001 and 0.00001; TOPMed below 0.00001.

Submissions (6):

Labcorp Genetics (formerly Invitae), Labcorp
Classification: Uncertain significance for BAP1-related tumor predisposition syndrome. Last evaluated: 2025-11-24. Review status: criteria provided, single submitter. Criteria: Invitae Variant Classification Sherloc (09022015). Collection method: clinical testing. Allele origin: germline.
Comment: This sequence change replaces glutamic acid, which is acidic and polar, with aspartic acid, which is acidic and polar, at codon 642 of the BAP1 protein (p.Glu642Asp). This variant is present in population databases (no rsID available, gnomAD 0.0009%). This variant has not been reported in the literature in individuals affected with BAP1-related conditions. ClinVar contains an entry for this variant (Variation ID: 485298). Invitae Evidence Modeling of protein sequence and biophysical properties (such as structural, functional, and spatial information, amino acid conservation, physicochemical variation, residue mobility, and thermodynamic stability) indicates that this missense variant is not expected to disrupt BAP1 protein function with a negative predictive value of 80%. In summary, the available evidence is currently insufficient to determine the role of this variant in disease. Therefore, it has been classified as a Variant of Uncertain Significance.

Center for Genomic Medicine, Rigshospitalet, Copenhagen University Hospital
Classification: Uncertain significance. Last evaluated: 2025-03-04. Review status: criteria provided, single submitter. Criteria: ACMG Guidelines, 2015. Collection method: clinical testing. Allele origin: germline.

Ambry Genetics
Classification: Benign for Hereditary cancer-predisposing syndrome. Last evaluated: 2024-12-17. Review status: criteria provided, single submitter. Criteria: Ambry Variant Classification Scheme 2023. Collection method: clinical testing. Allele origin: germline.

Color Diagnostics, LLC DBA Color Health
Classification: Uncertain significance for Hereditary cancer-predisposing syndrome. Last evaluated: 2024-03-06. Review status: criteria provided, single submitter. Criteria: ACMG Guidelines, 2015. Collection method: clinical testing. Allele origin: germline.
Comment: This missense variant replaces glutamic acid with aspartic acid at codon 642 of the BAP1 protein. Computational prediction is inconclusive regarding the impact of this variant on protein structure and function (internally defined REVEL score threshold 0.5 < inconclusive < 0.7, PMID: 27666373). To our knowledge, functional studies have not been reported for this variant. This variant has not been reported in individuals affected with hereditary cancer in the literature. This variant has been identified in 1/251492 chromosomes in the general population by the Genome Aggregation Database (gnomAD). The available evidence is insufficient to determine the role of this variant in disease conclusively. Therefore, this variant is classified as a Variant of Uncertain Significance.

Blueprint Genetics
Classification: Uncertain significance. Last evaluated: 2023-08-28. Review status: criteria provided, single submitter. Criteria: ACMG Guidelines, 2015. Collection method: clinical testing. Allele origin: germline.

Baylor Genetics
Classification: Uncertain significance for BAP1-related tumor predisposition syndrome. Last evaluated: 2023-05-02. Review status: criteria provided, single submitter. Criteria: ACMG Guidelines, 2015. Collection method: clinical testing. Allele origin: unknown.

Literature cited by the submitters: PubMed 38969833 (cited by Ambry Genetics).

NM_004656.4(BAP1):c.1926G>C (p.Glu642Asp)

Gene: BAP1 (BRCA1 associated deubiquitinase 1; minus strand). Cytogenetic location: 3p21.1.
Variant type: single nucleotide variant.
Coding change: c.1926G>C on transcript NM_004656.4 (MANE Select); coding-DNA position 1926, G replaced by C.
Protein change: p.Glu642Asp; replaces glutamic acid 642 with aspartic acid.
Molecular consequence: missense variant.
Genome position (GRCh38, 1-based): chr3:52,402,836, C>G on the plus strand (G>C on the coding strand, the complement: BAP1 is on the minus strand). VCF-style: chr3-52402836-C-G. GRCh37 (hg19) VCF-style: chr3-52436852-C-G.
Other names: c.1926G>C (LRG_529t1); short protein forms E642D.
Identifiers: ClinVar variation 485298 (VCV000485298.25), dbSNP rs1386810597, ClinGen allele CA353096748.
Genomic context (GRCh38, chr3:52,402,836, plus strand): 5'-CACCTTGAACTTCTTCCTCTTCTCTACCTCCTCCTTGAGGCACGCCTCATAGTTTGCAAT[C>G]TCAGCCTCCACACACTTCAGCAGTGCCAGCAGCTCCTGCCAAAACCCAGCATTGCACCTC-3'
Protein context (NP_004647.1, residues 632-652): LLALLKCVEA[Glu642Asp]IANYEACLKE